The following is an entry in ClinVar:

NM_003242.6(TGFBR2):c.500T>C (p.Val167Ala)

Gene: TGFBR2 (transforming growth factor beta receptor 2; plus strand). Cytogenetic location: 3p24.1.
Variant type: single nucleotide variant.
Coding change: c.500T>C on transcript NM_003242.6 (MANE Select); coding-DNA position 500, T replaced by C.
Protein change: p.Val167Ala; replaces valine 167 with alanine.
Molecular consequence: missense variant.
Genome position (GRCh38, 1-based): chr3:30,671,683, T>C. VCF-style: chr3-30671683-T-C. GRCh37 (hg19) VCF-style: chr3-30713175-T-C.
Other names: c.575T>C, p.Val192Ala (NM_001024847.3); c.683T>C, p.Val228Ala (NM_001407126.1); c.608T>C, p.Val203Ala (NM_001407127.1); c.527T>C, p.Val176Ala (NM_001407128.1); c.503T>C, p.Val168Ala (NM_001407129.1); c.500T>C, p.Val167Ala (NM_001407130.1); c.395T>C, p.Val132Ala (NM_001407132.1, NM_001407133.1, NM_001407134.1 and 2 more transcripts); c.215T>C, p.Val72Ala (NM_001407137.1); and 1 more; short protein forms V167A, V192A, V203A, V168A, V176A, V132A, V228A, V47A.
Identifiers: ClinVar variation 408433 (VCV000408433.9), dbSNP rs779052721, ClinGen allele CA049119.

ClinVar aggregate classification (germline): Uncertain significance. Review status: criteria provided, multiple submitters, no conflicts (2 of 4 stars). 3 submissions from 3 submitters: Uncertain significance (3). Last evaluated 2024-05-17.

Conditions:
Familial thoracic aortic aneurysm and aortic dissection (TAAD). Also called: Thoracic aortic aneurysms and dissections. Identifiers: Orphanet 91387, MedGen C4707243, MONDO:0019625.
Loeys-Dietz syndrome 2 (LDS2). Also called: TGFBR2-Related Loeys-Dietz Syndrome; Marfan syndrome, type 2 (formerly); AORTIC ANEURYSM, FAMILIAL THORACIC 3; MARFAN SYNDROME, TYPE II; Marfan Syndrome type 2; Marfan like connective tissue disorder. Identifiers: Orphanet 284973, Orphanet 558, MedGen C2674574, MONDO:0012427, OMIM 610168.

Allele frequency attached by ClinVar (database versions not stated): gnomAD exomes below 0.00001; ExAC 0.00001.
gnomAD v4.1: 1 of 1,614,234 alleles (0.000062%); highest among the groups gnomAD compares: Admixed American, 0.0017%; no homozygotes.

Submissions (3):

All of Us Research Program, National Institutes of Health
Classification: Uncertain significance for Loeys-Dietz syndrome 2. Last evaluated: 2024-05-17. Review status: criteria provided, single submitter. Criteria: ACMG Guidelines, 2015. Collection method: clinical testing. Allele origin: germline. Inheritance: Autosomal dominant inheritance. Observed: 1 variant allele, 1 heterozygote.
Comment: This study involves interpretation of variants in research participants for the purpose of population health screening. Participant phenotype was not available at the time of variant classification. Additional details can be found in publication PMID: 35346344, PMCID: PMC8962531

Labcorp Genetics (formerly Invitae), Labcorp
Classification: Uncertain significance for Familial thoracic aortic aneurysm and aortic dissection. Last evaluated: 2016-10-04. Review status: criteria provided, single submitter. Criteria: Invitae Variant Classification Sherloc (09022015). Collection method: clinical testing. Allele origin: germline.
Comment: This sequence change replaces valine with alanine at codon 167 of the TGFBR2 protein (p.Val167Ala). The valine residue is highly conserved and there is a small physicochemical difference between valine and alanine. This variant is present in population databases (rs779052721, ExAC 0.009%) but has not been reported in the literature in individuals with a TGFBR2-related disease. Algorithms developed to predict the effect of missense changes on protein structure and function do not agree on the potential impact of this missense change (SIFT: "Deleterious"; PolyPhen-2: "Benign"; Align-GVGD: "Class C0"). In summary, this variant is a rare missense change with uncertain impact on protein function. There is no indication that it causes disease, but the available evidence is currently insufficient to prove that conclusively. Therefore, it has been classified as a Variant of Uncertain Significance.

Ambry Genetics
Classification: Uncertain significance for Familial thoracic aortic aneurysm and aortic dissection. Last evaluated: 2016-08-19. Review status: criteria provided, single submitter. Criteria: Ambry Variant Classification Scheme 2023. Collection method: clinical testing. Allele origin: germline.
Comment: The p.V167A variant (also known as c.500T>C), located in coding exon 4 of the TGFBR2 gene, results from a T to C substitution at nucleotide position 500. The valine at codon 167 is replaced by alanine, an amino acid with similar properties. Based on data from ExAC, the C allele has an overall frequency of less than 0.01% (1/106174). This amino acid position is highly conserved in available vertebrate species. In addition, the in silico prediction for this alteration is inconclusive. Since supporting evidence is limited at this time, the clinical significance of this alteration remains unclear.